The following is an entry in ClinVar:

NM_001267550.2(TTN):c.10462G>A (p.Val3488Ile)

Gene: TTN (titin; minus strand). Cytogenetic location: 2q31.2.
Variant type: single nucleotide variant.
Coding change: c.10462G>A on transcript NM_001267550.2 (MANE Select); coding-DNA position 10462, G replaced by A.
Protein change: p.Val3488Ile; replaces valine 3488 with isoleucine.
Molecular consequence: missense variant. On other transcripts: intron variant (5).
Genome position (GRCh38, 1-based): chr2:178,757,758, C>T on the plus strand (G>A on the coding strand, the complement: TTN is on the minus strand). VCF-style: chr2-178757758-C-T. GRCh37 (hg19) VCF-style: chr2-179622485-C-T.
Other names: c.10324G>A, p.Val3442Ile (NM_133432.3); c.10165+1226G>A (NM_003319.4); c.10166-961G>A (NM_133437.4); c.10303+1226G>A (NM_133378.4, NM_001256850.1, NM_133379.5); short protein forms V3442I, V3488I.
Identifiers: ClinVar variation 3907642 (VCV003907642.1).
Genomic context (GRCh38, chr2:178,757,758, plus strand): 5'-TTGGTAGAATTAGCTGCTGGTTATGAAACCATTGGATTTCTGGCTTGGGAATGCCAGAAA[C>T]CCTCGCATGAAATCTGACTGTCTCCCCGTTGTGCACCCTGAGGCTTGACAGAGGCTGGAT-3'
Protein context (NP_001254479.2, residues 3478-3498): NGETVRFHAR[Val3488Ile]SGIPKPEIQW

ClinVar aggregate classification (germline): Uncertain significance (1 of 4 stars; one submission).

Submission:

Women's Health and Genetics/Laboratory Corporation of America, LabCorp
Classification: Uncertain significance. Last evaluated: 2025-06-19. Review status: criteria provided, single submitter. Criteria: LabCorp Variant Classification Summary - May 2015. Collection method: clinical testing. Allele origin: germline.
Comment: Variant summary: TTN c.10303+1226G>A is located at a position not widely known to affect splicing. This variant corresponds to c.10462G>A (p.Val3488Ile) in NM_001267550. The variant was absent in 248790 control chromosomes. The available data on variant occurrences in the general population are insufficient to allow any conclusion about variant significance. To our knowledge, no occurrence of c.10303+1226G>A in individuals affected with Autosomal Recessive Titinopathy and no experimental evidence demonstrating its impact on protein function have been reported. No submitters have cited clinical-significance assessments for this variant to ClinVar. Based on the evidence outlined above, the variant was classified as uncertain significance.